The following is an entry in ClinVar:

NM_020549.5(CHAT):c.1715C>G (p.Ser572Trp)

Gene: CHAT (choline O-acetyltransferase; plus strand). Cytogenetic location: 10q11.23.
Variant type: single nucleotide variant.
Coding change: c.1715C>G on transcript NM_020549.5 (MANE Select); coding-DNA position 1715, C replaced by G.
Protein change: p.Ser572Trp; replaces serine 572 with tryptophan.
Molecular consequence: missense variant.
Genome position (GRCh38, 1-based): chr10:49,655,175, C>G. VCF-style: chr10-49655175-C-G. GRCh37 (hg19) VCF-style: chr10-50863221-C-G.
Other names: c.1361C>G, p.Ser454Trp (NM_001142929.2, NM_001142934.2, NM_020984.4 and 2 more transcripts); c.1469C>G, p.Ser490Trp (NM_001142933.2); short protein forms S490W, S454W, S572W.
Identifiers: ClinVar variation 958997 (VCV000958997.12), dbSNP rs753652169, ClinGen allele CA5497600.
Genomic context (GRCh38, chr10:49,655,175, plus strand): 5'-CCACCTACGAGAGCGCGTCCATCCGCCGATTCCAGGAGGGACGCGTGGACAACATCAGAT[C>G]GGCCACTCCAGAGGCACTGGCTTTTGTGAGAGCCGTGACTGACCACAAGGCTGCTGTGCC-3'
Protein context (NP_065574.4, residues 562-582): FQEGRVDNIR[Ser572Trp]ATPEALAFVR

ClinVar aggregate classification (germline): Pathogenic/Likely pathogenic. Review status: criteria provided, multiple submitters, no conflicts (2 of 4 stars). 3 submissions from 3 submitters: Pathogenic (1); Likely pathogenic (2). Last evaluated 2025-04-04.

Conditions:
Congenital myasthenic syndrome (CMS). Also called: Congenital Myasthenic Syndromes. Identifiers: Orphanet 590, MedGen C0751882, MeSH D020294, MONDO:0018940.
Familial infantile myasthenia (CMS6). Also called: MYASTHENIC SYNDROME, CONGENITAL, 6, PRESYNAPTIC; MYASTHENIC SYNDROME, PRESYNAPTIC, CONGENITAL, ASSOCIATED WITH EPISODIC APNEA; Congenital myasthenic syndrome type 6. Identifiers: Orphanet 590, MedGen C0393929, MONDO:0009689, OMIM 254210.

Allele frequency attached by ClinVar (database versions not stated): ExAC 0.00001.
gnomAD v4.1: 7 of 1,614,060 alleles (0.00043%); highest among the groups gnomAD compares: Non-Finnish European, 0.00025%; no homozygotes.

Submissions (3):

Women's Health and Genetics/Laboratory Corporation of America, LabCorp
Classification: Likely pathogenic for Congenital myasthenic syndrome. Last evaluated: 2025-04-04. Review status: criteria provided, single submitter. Criteria: LabCorp Variant Classification Summary - May 2015. Collection method: clinical testing. Allele origin: germline.
Comment: Variant summary: CHAT c.1715C>G (p.Ser572Trp) results in a non-conservative amino acid change in the encoded protein sequence. Five of five in-silico tools predict a damaging effect of the variant on protein function. The variant allele was found at a frequency of 4e-06 in 251322 control chromosomes. c.1715C>G has been reported in the literature in one individual affected with Congenital Myasthenic Syndrome (Shen_2011). At least one publication reports experimental evidence evaluating an impact on protein function. The most pronounced variant effect results in <10% of normal activity and reduced expression in Bosc 23 cells (26% of WR) (Shen_2011). The following publication have been ascertained in the context of this evaluation (PMID: 21786365). ClinVar contains an entry for this variant (Variation ID: 958997). Based on the evidence outlined above, the variant was classified as likely pathogenic.

Labcorp Genetics (formerly Invitae), Labcorp
Classification: Pathogenic for Familial infantile myasthenia. Last evaluated: 2024-07-25. Review status: criteria provided, single submitter. Criteria: Invitae Variant Classification Sherloc (09022015). Collection method: clinical testing. Allele origin: germline.
Comment: This sequence change replaces serine, which is neutral and polar, with tryptophan, which is neutral and slightly polar, at codon 572 of the CHAT protein (p.Ser572Trp). This variant is not present in population databases (gnomAD no frequency). This missense change has been observed in individual(s) with congenital myasthenic syndrome (PMID: 21786365). In at least one individual the data is consistent with being in trans (on the opposite chromosome) from a pathogenic variant. ClinVar contains an entry for this variant (Variation ID: 958997). Advanced modeling of protein sequence and biophysical properties (such as structural, functional, and spatial information, amino acid conservation, physicochemical variation, residue mobility, and thermodynamic stability) performed at Invitae indicates that this missense variant is expected to disrupt CHAT protein function with a positive predictive value of 95%. Experimental studies have shown that this missense change affects CHAT function (PMID: 21786365). For these reasons, this variant has been classified as Pathogenic.

Baylor Genetics
Classification: Likely pathogenic for Familial infantile myasthenia. Last evaluated: 2024-01-11. Review status: criteria provided, single submitter. Criteria: ACMG Guidelines, 2015. Collection method: clinical testing. Allele origin: unknown.

Literature cited by the submitters: PubMed 21786365 (cited by Women's Health and Genetics/Laboratory Corporation of America, LabCorp and Labcorp Genetics (formerly Invitae), Labcorp).